The following is an entry in ClinVar:

NM_014822.4(SEC24D):c.1753C>A (p.Pro585Thr)

Gene: SEC24D (SEC24 homolog D, COPII component; minus strand). Cytogenetic location: 4q26.
Variant type: single nucleotide variant.
Coding change: c.1753C>A on transcript NM_014822.4 (MANE Select); coding-DNA position 1753, C replaced by A.
Protein change: p.Pro585Thr; replaces proline 585 with threonine.
Molecular consequence: missense variant.
Genome position (GRCh38, 1-based): chr4:118,745,015, G>T on the plus strand (C>A on the coding strand, the complement: SEC24D is on the minus strand). VCF-style: chr4-118745015-G-T. GRCh37 (hg19) VCF-style: chr4-119666170-G-T.
Other names: c.1753C>A (NM_014822.2); c.1756C>A, p.Pro586Thr (NM_001318066.2); short protein forms P586T, P585T.
Identifiers: ClinVar variation 1437919 (VCV001437919.8), dbSNP rs750011350, ClinGen allele CA3057169.

ClinVar aggregate classification (germline): Uncertain significance. Review status: criteria provided, multiple submitters, no conflicts (2 of 4 stars). 3 submissions from 3 submitters: Uncertain significance (3). Last evaluated 2023-09-12.

Conditions:
Inborn genetic diseases. Identifiers: MedGen C0950123, MeSH D030342.

Allele frequency attached by ClinVar (database versions not stated): gnomAD 0.00001; gnomAD exomes 0.00001; ExAC 0.00002.
gnomAD v4.1: 4 of 1,611,312 alleles (0.00025%); highest among the groups gnomAD compares: East Asian, 0.0089%; no homozygotes.

Submissions (3):

Ambry Genetics
Classification: Uncertain significance for Inborn genetic diseases. Last evaluated: 2023-09-12. Review status: criteria provided, single submitter. Criteria: Ambry Variant Classification Scheme 2023. Collection method: clinical testing. Allele origin: germline.

Women's Health and Genetics/Laboratory Corporation of America, LabCorp
Classification: Uncertain significance. Last evaluated: 2022-09-08. Review status: criteria provided, single submitter. Criteria: LabCorp Variant Classification Summary - May 2015. Collection method: clinical testing. Allele origin: germline.
Comment: Variant summary: SEC24D c.1753C>A (p.Pro585Thr) results in a non-conservative amino acid change located in the Sec23/Sec24, trunk domain (IPR006896) of the encoded protein sequence. Four of four in-silico tools predict a damaging effect of the variant on protein function. The variant allele was found at a frequency of 8e-06 in 250282 control chromosomes (gnomAD). The available data on variant occurrences in the general population are insufficient to allow any conclusion about variant significance. To our knowledge, no occurrence of c.1753C>A in individuals affected with Cole-Carpenter Syndrome 2 and no experimental evidence demonstrating its impact on protein function have been reported. One clinical diagnostic laboratory has submitted clinical-significance assessments for this variant to ClinVar after 2014 and classified the variant as uncertain significance. Based on the evidence outlined above, the variant was classified as uncertain significance.

Labcorp Genetics (formerly Invitae), Labcorp
Classification: Uncertain significance. Last evaluated: 2021-11-13. Review status: criteria provided, single submitter. Criteria: Invitae Variant Classification Sherloc (09022015). Collection method: clinical testing. Allele origin: germline.
Comment: The frequency data for this variant in the population databases is considered unreliable, as metrics indicate poor data quality at this position in the gnomAD database. This variant has not been reported in the literature in individuals affected with SEC24D-related conditions. Algorithms developed to predict the effect of missense changes on protein structure and function are either unavailable or do not agree on the potential impact of this missense change (SIFT: "Not Available"; PolyPhen-2: "Probably Damaging"; Align-GVGD: "Not Available"). In summary, the available evidence is currently insufficient to determine the role of this variant in disease. Therefore, it has been classified as a Variant of Uncertain Significance. This sequence change replaces proline, which is neutral and non-polar, with threonine, which is neutral and polar, at codon 585 of the SEC24D protein (p.Pro585Thr).